The following is an entry in ClinVar:

NM_001354741.2(PFKM):c.-81+2015G>A

Gene: PFKM (phosphofructokinase, muscle; plus strand). Cytogenetic location: 12q13.11.
Variant type: single nucleotide variant.
Coding change: c.-81+2015G>A on transcript NM_001354741.2; 2015 bases into the intron after 81 bases upstream of the start codon, G replaced by A.
Molecular consequence: intron variant. On other transcripts: missense variant (7), non-coding transcript variant (1).
Genome position (GRCh38, 1-based): chr12:48,107,434, G>A. VCF-style: chr12-48107434-G-A. GRCh37 (hg19) VCF-style: chr12-48501217-G-A.
Other names: c.61G>A, p.Val21Ile (NM_001166686.2, NM_001354735.1, NM_001354736.1 and 4 more transcripts); c.-9+2015G>A (NM_001354742.2); c.-85+2015G>A (NM_001354747.2); c.-9+1624G>A (NM_001354743.2); short protein forms V21I.
Identifiers: ClinVar variation 1306770 (VCV001306770.4), dbSNP rs1443786102, ClinGen allele CA384538168.

ClinVar aggregate classification (germline): Uncertain significance (1 of 4 stars; one submission).

Submission:

GeneDx
Classification: Uncertain significance. Last evaluated: 2019-07-11. Review status: criteria provided, single submitter. Criteria: GeneDx Variant Classification Process June 2021. Collection method: clinical testing. Allele origin: germline. Affected: yes.
Comment: Variant is only present in a single alternate transcript of the PFKM gene (NM_001166686.1), but not in any other known transcript, including the primary isoform used by the Human Gene Mutation database (NM_000289.5); Not observed in large population cohorts (Lek et al., 2016); In silico analysis, which includes protein predictors and evolutionary conservation, supports that this variant does not alter protein structure/function; Has not been previously published as pathogenic or benign to our knowledge